The following is an entry in ClinVar:

ClinVar aggregate classification (germline): Uncertain significance (1 of 4 stars; one submission).

Conditions:
Nephronophthisis 9 (NPHP9). Identifiers: Orphanet 655, MedGen C3151188, MONDO:0013444, OMIM 613824.

Submission:

Labcorp Genetics (formerly Invitae), Labcorp
Classification: Uncertain significance for Nephronophthisis 9. Last evaluated: 2025-10-18. Review status: criteria provided, single submitter. Criteria: Invitae Variant Classification Sherloc (09022015). Collection method: clinical testing. Allele origin: germline.
Comment: This sequence change replaces glutamine, which is neutral and polar, with histidine, which is basic and polar, at codon 375 of the NEK8 protein (p.Gln375His). This variant is not present in population databases (gnomAD no frequency). This variant has not been reported in the literature in individuals affected with NEK8-related conditions. An algorithm developed to predict the effect of missense changes on protein structure and function (PolyPhen-2) suggests that this variant is likely to be tolerated. In summary, the available evidence is currently insufficient to determine the role of this variant in disease. Therefore, it has been classified as a Variant of Uncertain Significance.

NM_178170.3(NEK8):c.1125G>T (p.Gln375His)

Gene: NEK8 (NIMA related kinase 8; plus strand). Cytogenetic location: 17q11.2.
Variant type: single nucleotide variant.
Coding change: c.1125G>T on transcript NM_178170.3 (MANE Select); coding-DNA position 1125, G replaced by T.
Protein change: p.Gln375His; replaces glutamine 375 with histidine.
Molecular consequence: missense variant.
Genome position (GRCh38, 1-based): chr17:28,738,148, G>T. VCF-style: chr17-28738148-G-T. GRCh37 (hg19) VCF-style: chr17-27065166-G-T.
Other names: short protein forms Q375H.
Identifiers: ClinVar variation 4729444 (VCV004729444.1).